The following is an entry in ClinVar:

ClinVar aggregate classification (germline): Uncertain significance (1 of 4 stars; one submission).

Submission:

Labcorp Genetics (formerly Invitae), Labcorp
Classification: Uncertain significance. Last evaluated: 2022-02-24. Review status: criteria provided, single submitter. Criteria: Invitae Variant Classification Sherloc (09022015). Collection method: clinical testing. Allele origin: germline.
Comment: This variant has not been reported in the literature in individuals affected with KIAA1549-related conditions. In summary, the available evidence is currently insufficient to determine the role of this variant in disease. Therefore, it has been classified as a Variant of Uncertain Significance. Algorithms developed to predict the effect of missense changes on protein structure and function are either unavailable or do not agree on the potential impact of this missense change (SIFT: "Tolerated"; PolyPhen-2: "Possibly Damaging"; Align-GVGD: "Class C0"). This variant is not present in population databases (gnomAD no frequency). This sequence change replaces leucine, which is neutral and non-polar, with methionine, which is neutral and non-polar, at codon 433 of the KIAA1549 protein (p.Leu433Met).

NM_001164665.2(KIAA1549):c.1297C>A (p.Leu433Met)

Gene: KIAA1549 (KIAA1549; minus strand). Cytogenetic location: 7q34.
Variant type: single nucleotide variant.
Coding change: c.1297C>A on transcript NM_001164665.2 (MANE Select); coding-DNA position 1297, C replaced by A.
Protein change: p.Leu433Met; replaces leucine 433 with methionine.
Molecular consequence: missense variant.
Genome position (GRCh38, 1-based): chr7:138,918,329, G>T on the plus strand (C>A on the coding strand, the complement: KIAA1549 is on the minus strand). VCF-style: chr7-138918329-G-T. GRCh37 (hg19) VCF-style: chr7-138603075-G-T.
Other names: c.1297C>A, p.Leu433Met (NM_020910.3); short protein forms L433M.
Identifiers: ClinVar variation 1375047 (VCV001375047.6), dbSNP rs1563077386, ClinGen allele CA369399294.